The following is an entry in ClinVar:

NM_032590.5(KDM2B):c.1256C>T (p.Pro419Leu)

Gene: KDM2B (lysine demethylase 2B; minus strand). Cytogenetic location: 12q24.31.
Variant type: single nucleotide variant.
Coding change: c.1256C>T on transcript NM_032590.5 (MANE Select); coding-DNA position 1256, C replaced by T.
Protein change: p.Pro419Leu; replaces proline 419 with leucine.
Molecular consequence: missense variant.
Genome position (GRCh38, 1-based): chr12:121,509,958, G>A on the plus strand (C>T on the coding strand, the complement: KDM2B is on the minus strand). VCF-style: chr12-121509958-G-A. GRCh37 (hg19) VCF-style: chr12-121947761-G-A.
Other names: c.1163C>T, p.Pro388Leu (NM_001005366.2); short protein forms P388L, P419L.
Identifiers: ClinVar variation 3047853 (VCV003047853.3), dbSNP rs146581489, ClinGen allele CA6836959.

ClinVar aggregate classification (germline): Likely benign. Review status: criteria provided, single submitter (1 of 4 stars). 2 submissions from 2 submitters: Likely benign (1). 1 of the submissions does not count toward it. Last evaluated 2026-07-01.

Conditions:
KDM2B-related disorder. Also called: KDM2B-related condition.

Allele frequency attached by ClinVar (database versions not stated): gnomAD exomes 0.00009; ExAC 0.00028; ESP Exome Variant Server 0.00064; 1000 Genomes Project 0.00100; 1000 Genomes Project 30x 0.00109; TOPMed 0.00110.
gnomAD v4.1: 290 of 1,610,438 alleles (0.018%); highest among the groups gnomAD compares: African/African-American, 0.32%; no homozygotes.

Submissions (2):

CeGaT Center for Human Genetics Tuebingen
Classification: Likely benign. Last evaluated: 2026-07-01. Review status: criteria provided, single submitter. Criteria: CeGaT Center For Human Genetics Tuebingen Variant Classification Criteria Version 2. Collection method: clinical testing. Allele origin: germline. Affected: yes. Observed: 1 variant allele.
Comment: KDM2B: BP4

PreventionGenetics, part of Exact Sciences
Classification: Likely benign for KDM2B-related condition. Last evaluated: 2022-11-29. Review status: no assertion criteria provided. Collection method: clinical testing. Allele origin: germline. Not counted in ClinVar's aggregate classification.
Comment: This variant is classified as likely benign based on ACMG/AMP sequence variant interpretation guidelines (Richards et al. 2015 PMID: 25741868, with internal and published modifications).